The following is an entry in ClinVar:

ClinVar aggregate classification (germline): Uncertain significance. Review status: criteria provided, multiple submitters, no conflicts (2 of 4 stars). 3 submissions from 3 submitters: Uncertain significance (3). Last evaluated 2025-11-17.

Conditions:
Hypokalemic periodic paralysis, type 1. Also called: Hypokalemic Periodic Paralysis Type 1 (AD); HypoPP. Identifiers: Orphanet 681, MedGen C3714580, MONDO:0042979, OMIM 170400.
Malignant hyperthermia, susceptibility to, 5 (MHS5). Also called: CACNA1S-Related Malignant Hyperthermia Susceptibility. Identifiers: Orphanet 423, MedGen C1866077, MONDO:0011163, OMIM 601887.

Allele frequency attached by ClinVar (database versions not stated): gnomAD 0.00001.
gnomAD v4.1: 1 of 1,613,992 alleles (0.000062%); highest among the groups gnomAD compares: African/African-American, 0.0013%; no homozygotes.

Submissions (3):

Labcorp Genetics (formerly Invitae), Labcorp
Classification: Uncertain significance for Hypokalemic periodic paralysis, type 1; Malignant hyperthermia, susceptibility to, 5. Last evaluated: 2025-11-17. Review status: criteria provided, single submitter. Criteria: Invitae Variant Classification Sherloc (09022015). Collection method: clinical testing. Allele origin: germline.
Comment: This sequence change replaces alanine, which is neutral and non-polar, with serine, which is neutral and polar, at codon 626 of the CACNA1S protein (p.Ala626Ser). This variant is not present in population databases (gnomAD no frequency). This variant has not been reported in the literature in individuals affected with CACNA1S-related conditions. ClinVar contains an entry for this variant (Variation ID: 874824). Invitae Evidence Modeling of protein sequence and biophysical properties (such as structural, functional, and spatial information, amino acid conservation, physicochemical variation, residue mobility, and thermodynamic stability) indicates that this missense variant is not expected to disrupt CACNA1S protein function with a negative predictive value of 95%. In summary, the available evidence is currently insufficient to determine the role of this variant in disease. Therefore, it has been classified as a Variant of Uncertain Significance.

All of Us Research Program, National Institutes of Health
Classification: Uncertain significance for Malignant hyperthermia, susceptibility to, 5. Last evaluated: 2023-09-17. Review status: criteria provided, single submitter. Criteria: ACMG Guidelines, 2015. Collection method: clinical testing. Allele origin: germline. Inheritance: Autosomal dominant inheritance. Observed: 1 variant allele, 1 heterozygote.
Comment: This missense variant replaces alanine with serine at codon 626 of the CACNA1S protein. Computational prediction is inconclusive regarding the impact of this variant on protein structure and function (internally defined REVEL score threshold 0.5 < inconclusive < 0.7, PMID: 27666373). To our knowledge, functional studies have not been reported for this variant. This variant has not been reported in individuals affected with CACNA1S-related disorders in the literature. This variant has not been identified in the general population by the Genome Aggregation Database (gnomAD). The available evidence is insufficient to determine the role of this variant in disease conclusively. Therefore, this variant is classified as a Variant of Uncertain Significance.

This study involves interpretation of variants in research participants for the purpose of population health screening. Participant phenotype was not available at the time of variant classification. Additional details can be found in publication PMID: 35346344, PMCID: PMC8962531

Illumina Laboratory Services, Illumina
Classification: Uncertain significance for Hypokalemic periodic paralysis, type 1. Last evaluated: 2018-01-13. Review status: criteria provided, single submitter. Criteria: ICSL Variant Classification Criteria 13 December 2019. Collection method: clinical testing. Allele origin: germline.

NM_000069.3(CACNA1S):c.1876G>T (p.Ala626Ser)

Gene: CACNA1S (calcium voltage-gated channel subunit alpha1 S; minus strand). Cytogenetic location: 1q32.1.
Variant type: single nucleotide variant.
Coding change: c.1876G>T on transcript NM_000069.3 (MANE Select); coding-DNA position 1876, G replaced by T.
Protein change: p.Ala626Ser; replaces alanine 626 with serine.
Molecular consequence: missense variant.
Genome position (GRCh38, 1-based): chr1:201,075,567, C>A on the plus strand (G>T on the coding strand, the complement: CACNA1S is on the minus strand). VCF-style: chr1-201075567-C-A. GRCh37 (hg19) VCF-style: chr1-201044695-C-A.
Other names: short protein forms A626S.
Identifiers: ClinVar variation 874824 (VCV000874824.6), dbSNP rs1661582242, ClinGen allele CA344117019.